The following is an entry in ClinVar:

ClinVar aggregate classification (germline): Uncertain significance (1 of 4 stars; one submission).

Submission:

Labcorp Genetics (formerly Invitae), Labcorp
Classification: Uncertain significance. Last evaluated: 2024-02-24. Review status: criteria provided, single submitter. Criteria: Invitae Variant Classification Sherloc (09022015). Collection method: clinical testing. Allele origin: germline.
Comment: This sequence change replaces threonine, which is neutral and polar, with asparagine, which is neutral and polar, at codon 750 of the HYOU1 protein (p.Thr750Asn). This variant is not present in population databases (gnomAD no frequency). This variant has not been reported in the literature in individuals affected with HYOU1-related conditions. ClinVar contains an entry for this variant (Variation ID: 2093848). An algorithm developed to predict the effect of missense changes on protein structure and function (PolyPhen-2) suggests that this variant is likely to be disruptive. In summary, the available evidence is currently insufficient to determine the role of this variant in disease. Therefore, it has been classified as a Variant of Uncertain Significance.

NM_006389.5(HYOU1):c.2249C>A (p.Thr750Asn)

Gene: HYOU1 (hypoxia up-regulated 1; minus strand). Cytogenetic location: 11q23.3.
Variant type: single nucleotide variant.
Coding change: c.2249C>A on transcript NM_006389.5 (MANE Select); coding-DNA position 2249, C replaced by A.
Protein change: p.Thr750Asn; replaces threonine 750 with asparagine.
Molecular consequence: missense variant.
Genome position (GRCh38, 1-based): chr11:119,048,480, G>T on the plus strand (C>A on the coding strand, the complement: HYOU1 is on the minus strand). VCF-style: chr11-119048480-G-T. GRCh37 (hg19) VCF-style: chr11-118919192-G-T.
Other names: c.2249C>A, p.Thr750Asn (NM_001130991.3, NM_001411041.1); short protein forms T750N.
Identifiers: ClinVar variation 2093848 (VCV002093848.4), dbSNP rs946497294, ClinGen allele CA229618875.
Genomic context (GRCh38, chr11:119,048,480, plus strand): 5'-GCCCACAGAGCCAGGTGTAAGCCCAGTGGGGGGGCTGCTGCCTCCTGCCCACTGACCTGG[G>T]TCTCAAATATGAATGCTTCCAAGCTGTTGGCAGCTTTTTCCCGTTCCTGCTTCTCCAGGT-3'
Protein context (NP_006380.1, residues 740-760): ANSLEAFIFE[Thr750Asn]QDKLYQPEYQ